The following is an entry in ClinVar:

ClinVar aggregate classification (germline): Likely benign (0 of 4 stars; one submission).

Conditions:
PLXNA4-related disorder. Also called: PLXNA4-related condition.

Allele frequency attached by ClinVar (database versions not stated): TOPMed 0.00004; gnomAD 0.00005; ExAC 0.00008; ESP Exome Variant Server 0.00016; gnomAD exomes 0.00017.
gnomAD v4.1: 260 of 1,613,930 alleles (0.016%); highest among the groups gnomAD compares: Middle Eastern, 0.033%; no homozygotes.

Submission:

PreventionGenetics, part of Exact Sciences
Classification: Likely benign for PLXNA4-related condition. Last evaluated: 2022-06-30. Review status: no assertion criteria provided. Collection method: clinical testing. Allele origin: germline.
Comment: This variant is classified as likely benign based on ACMG/AMP sequence variant interpretation guidelines (Richards et al. 2015 PMID: 25741868, with internal and published modifications).

NM_020911.2(PLXNA4):c.4779C>T (p.Ser1593=)

Gene: PLXNA4 (plexin A4; minus strand). Cytogenetic location: 7q32.3.
Variant type: single nucleotide variant.
Coding change: c.4779C>T on transcript NM_020911.2 (MANE Select); coding-DNA position 4779, C replaced by T.
Protein change: p.Ser1593=; no amino-acid change (serine 1593 retained).
Molecular consequence: synonymous variant.
Genome position (GRCh38, 1-based): chr7:132,147,985, G>A on the plus strand (C>T on the coding strand, the complement: PLXNA4 is on the minus strand). VCF-style: chr7-132147985-G-A. GRCh37 (hg19) VCF-style: chr7-131832744-G-A.
Other names: c.4779C>T, p.Ser1593= (NM_001393897.1).
Identifiers: ClinVar variation 3032172 (VCV003032172.2), dbSNP rs372665539, ClinGen allele CA4489090.